The following is an entry in ClinVar:

NM_206933.4(USH2A):c.1435_1439del (p.Phe479fs)

Gene: USH2A (usherin; minus strand). Cytogenetic location: 1q41.
Variant type: Deletion.
Coding change: c.1435_1439del on transcript NM_206933.4 (MANE Select); coding-DNA positions 1435 to 1439, 5 bases deleted (TTCGT; older notation c.1435_1439delTTCGT).
Protein change: p.Phe479fs; shifts the reading frame from phenylalanine 479.
Molecular consequence: frameshift variant.
Genome position (GRCh38, 1-based): chr1:216,323,585-216,323,589, ACGAA deleted on the plus strand (TTCGT on the coding strand, the reverse complement: USH2A is on the minus strand). VCF-style (leftmost placement, unchanged base first): chr1-216323584-TACGAA-T. GRCh37 (hg19) VCF-style: chr1-216496926-TACGAA-T.
Other names: c.1435_1439del, p.Phe479fs (NM_007123.6); short protein forms F479fs.
Identifiers: ClinVar variation 1723966 (VCV001723966.2), dbSNP rs2527434001, ClinGen allele CA2580062216.
Genomic context (GRCh38, chr1:216,323,584, plus strand): 5'-AACAGCAGTCTCAGTTGTATAGTACTGCCCATGAAAATGAAACCTTATTTGCGTGGCTTT[TACGAA>T]CTCTTGAAGAGATGGGGTATTATAGAAGTTATTGTATCCAGGACGATAATTTGGTCCAGG-3'

ClinVar aggregate classification (germline): Likely pathogenic (1 of 4 stars; one submission).

Conditions:
Usher syndrome type 2A. Also called: RETINAL DISEASE IN USHER SYNDROME TYPE IIA, MODIFIER OF; USHER SYNDROME, TYPE IIA. Identifiers: Orphanet 231178, Orphanet 886, MedGen C1848634, MONDO:0010169, OMIM 276901.

Submission:

Myriad Genetics, Inc.
Classification: Likely pathogenic for Usher syndrome type 2A. Last evaluated: 2022-01-17. Review status: criteria provided, single submitter. Criteria: Myriad Women's Health Autosomal Recessive and X-Linked Classification Criteria (2021). Collection method: clinical testing. Allele origin: unknown.
Comment: NM_206933.2(USH2A):c.1435_1439del5(F479Kfs*17) is expected to be pathogenic in the context of USH2A-related disorders. This variant is predicted to lead to an abnormal or absent protein product due to the creation of a premature termination codon in USH2A, a gene where loss-of-function variants are known to be pathogenic. Please note: this variant was assessed in the context of healthy population screening.